The following is an entry in ClinVar:

ClinVar aggregate classification (germline): Pathogenic (1 of 4 stars; one submission).

Submission:

Labcorp Genetics (formerly Invitae), Labcorp
Classification: Pathogenic. Last evaluated: 2025-12-11. Review status: criteria provided, single submitter. Criteria: Invitae Variant Classification Sherloc (09022015). Collection method: clinical testing. Allele origin: germline.
Comment: This sequence change creates a premature translational stop signal (p.Gly176Aspfs*104) in the LTBP2 gene. It is expected to result in an absent or disrupted protein product. Loss-of-function variants in LTBP2 are known to be pathogenic (PMID: 19361779, 19656777, 22025892). This variant is not present in population databases (gnomAD no frequency). This variant has not been reported in the literature in individuals affected with LTBP2-related conditions. For these reasons, this variant has been classified as Pathogenic.

Literature cited by the submitters: PubMed 19361779; PubMed 19656777; PubMed 22025892.

NM_000428.3(LTBP2):c.527del (p.Gly176fs)

Gene: LTBP2 (latent transforming growth factor beta binding protein 2; minus strand). Cytogenetic location: 14q24.3.
Variant type: Deletion.
Coding change: c.527del on transcript NM_000428.3 (MANE Select); coding-DNA position 527, one base deleted (G; older notation c.527delG).
Protein change: p.Gly176fs; shifts the reading frame from glycine 176.
Molecular consequence: frameshift variant.
Genome position (GRCh38, 1-based): chr14:74,603,673, C deleted on the plus strand (G on the coding strand, the reverse complement: LTBP2 is on the minus strand); the first of 2 consecutive C bases (chr14:74,603,673-74,603,674); deleting either gives the same sequence. VCF-style (leftmost placement, unchanged base first): chr14-74603672-TC-T. GRCh37 (hg19) VCF-style: chr14-75070375-TC-T.
Other names: short protein forms G176fs.
Identifiers: ClinVar variation 4703466 (VCV004703466.1).